The following is an entry in ClinVar:

NM_000158.4(GBE1):c.1803+1G>A

Gene: GBE1 (1,4-alpha-glucan branching enzyme 1; minus strand). Cytogenetic location: 3p12.2.
Variant type: single nucleotide variant.
Coding change: c.1803+1G>A on transcript NM_000158.4 (MANE Select); the canonical splice donor site of the intron after coding-DNA position 1803, G replaced by A.
Molecular consequence: splice donor variant.
Genome position (GRCh38, 1-based): chr3:81,536,910, C>T on the plus strand (G>A on the coding strand, the complement: GBE1 is on the minus strand). VCF-style: chr3-81536910-C-T. GRCh37 (hg19) VCF-style: chr3-81586061-C-T.
Identifiers: ClinVar variation 1066934 (VCV001066934.5), dbSNP rs1273791312, ClinGen allele CA353686282.

ClinVar aggregate classification (germline): Likely pathogenic (1 of 4 stars; one submission).

Conditions:
Glycogen storage disease IV, classic hepatic. Also called: GSD IV, CLASSIC HEPATIC. Identifiers: MedGen C1856301.
Glycogen storage disease, type IV (GSD4). Also called: Glycogen storage disease due to glycogen branching enzyme deficiency; AMYLOPECTINOSIS; ANDERSEN DISEASE; BRANCHER DEFICIENCY; CIRRHOSIS, FAMILIAL, WITH DEPOSITION OF ABNORMAL GLYCOGEN; GBE1 DEFICIENCY. Identifiers: Orphanet 367, MedGen C0017923, MONDO:0009292, OMIM 232500.

Submission:

Labcorp Genetics (formerly Invitae), Labcorp
Classification: Likely pathogenic for Glycogen storage disease, type IV; Glycogen storage disease IV, classic hepatic. Last evaluated: 2020-10-08. Review status: criteria provided, single submitter. Criteria: Invitae Variant Classification Sherloc (09022015). Collection method: clinical testing. Allele origin: germline.
Comment: Donor and acceptor splice site variants typically lead to a loss of protein function (PMID: 16199547), and loss-of-function variants in GBE1 are known to be pathogenic (PMID: 15452297, 20058079). In summary, the currently available evidence indicates that the variant is pathogenic, but additional data are needed to prove that conclusively. Therefore, this variant has been classified as Likely Pathogenic. This variant has not been reported in the literature in individuals with GBE1-related conditions. This variant is not present in population databases (ExAC no frequency). This sequence change affects a donor splice site in intron 13 of the GBE1 gene. It is expected to disrupt RNA splicing and likely results in an absent or disrupted protein product.

Literature cited by the submitters: PubMed 16199547; PubMed 15452297; PubMed 20058079.